The following is an entry in ClinVar:

ClinVar aggregate classification (germline): Uncertain significance (1 of 4 stars; one submission).

Submission:

Labcorp Genetics (formerly Invitae), Labcorp
Classification: Uncertain significance. Last evaluated: 2022-03-28. Review status: criteria provided, single submitter. Criteria: Invitae Variant Classification Sherloc (09022015). Collection method: clinical testing. Allele origin: germline.
Comment: In summary, the available evidence is currently insufficient to determine the role of this variant in disease. Therefore, it has been classified as a Variant of Uncertain Significance. Advanced modeling of protein sequence and biophysical properties (such as structural, functional, and spatial information, amino acid conservation, physicochemical variation, residue mobility, and thermodynamic stability) performed at Invitae indicates that this missense variant is not expected to disrupt LRP2 protein function. This variant has not been reported in the literature in individuals affected with LRP2-related conditions. This variant is not present in population databases (gnomAD no frequency). This sequence change replaces histidine, which is basic and polar, with tyrosine, which is neutral and polar, at codon 3663 of the LRP2 protein (p.His3663Tyr).

NM_004525.3(LRP2):c.10987C>T (p.His3663Tyr)

Gene: LRP2 (LDL receptor related protein 2; minus strand). Cytogenetic location: 2q31.1.
Variant type: single nucleotide variant.
Coding change: c.10987C>T on transcript NM_004525.3 (MANE Select); coding-DNA position 10987, C replaced by T.
Protein change: p.His3663Tyr; replaces histidine 3663 with tyrosine.
Molecular consequence: missense variant.
Genome position (GRCh38, 1-based): chr2:169,173,946, G>A on the plus strand (C>T on the coding strand, the complement: LRP2 is on the minus strand). VCF-style: chr2-169173946-G-A. GRCh37 (hg19) VCF-style: chr2-170030456-G-A.
Other names: short protein forms H3663Y.
Identifiers: ClinVar variation 2119016 (VCV002119016.4), dbSNP rs2545726946, ClinGen allele CA349144354.